The following is an entry in ClinVar:

NM_001291415.2(KDM6A):c.706A>C (p.Asn236His)

Gene: KDM6A (lysine demethylase 6A; plus strand). Cytogenetic location: Xp11.3.
Variant type: single nucleotide variant.
Coding change: c.706A>C on transcript NM_001291415.2 (MANE Select); coding-DNA position 706, A replaced by C.
Protein change: p.Asn236His; replaces asparagine 236 with histidine.
Molecular consequence: missense variant. On other transcripts: 5 prime UTR variant (1), non-coding transcript variant (1).
Genome position (GRCh38, 1-based): chrX:45,051,760, A>C. VCF-style: chrX-45051760-A-C. GRCh37 (hg19) VCF-style: chrX-44911005-A-C.
Other names: c.706A>C, p.Asn236His (NM_001291416.2, NM_001291417.2, NM_001291418.2 and 1 more transcripts); c.-48A>C (NM_001291421.2); c.706A>C (NM_021140.2); short protein forms N236H.
Identifiers: ClinVar variation 1373333 (VCV001373333.8), dbSNP rs780484731, ClinGen allele CA10392247.

ClinVar aggregate classification (germline): Conflicting classifications of pathogenicity. Review status: criteria provided, conflicting classifications (1 of 4 stars). 2 submissions from 2 submitters: Uncertain significance (1); Likely benign (1). Last evaluated 2024-12-11.

Conditions:
Kabuki syndrome 2 (KABUK2). Also called: KDM6A-Related Kabuki Syndrome. Identifiers: Orphanet 2322, MedGen C3275495, MONDO:0010465, OMIM 300867.

Allele frequency attached by ClinVar (database versions not stated): ExAC 0.00001; gnomAD 0.00001; gnomAD exomes 0.00001; TOPMed 0.00001.
gnomAD v4.1: 8 of 1,188,055 alleles (0.00067%); highest among the groups gnomAD compares: Admixed American, 0.0066%; no homozygotes.

Submissions (2):

Labcorp Genetics (formerly Invitae), Labcorp
Classification: Likely benign for Kabuki syndrome 2. Last evaluated: 2024-12-11. Review status: criteria provided, single submitter. Criteria: Invitae Variant Classification Sherloc (09022015). Collection method: clinical testing. Allele origin: germline.

GeneDx
Classification: Uncertain significance. Last evaluated: 2023-08-02. Review status: criteria provided, single submitter. Criteria: GeneDx Variant Classification Process June 2021. Collection method: clinical testing. Allele origin: germline. Affected: yes.
Comment: In silico analysis supports that this missense variant has a deleterious effect on protein structure/function; Has not been previously published as pathogenic or benign to our knowledge